The following is an entry in ClinVar:

ClinVar aggregate classification (germline): Conflicting classifications of pathogenicity. Review status: criteria provided, conflicting classifications (1 of 4 stars). 6 submissions from 6 submitters: Uncertain significance (1); Benign (1); Likely benign (4). Last evaluated 2026-01-12.

Conditions:
Collagen 6-related myopathy. Identifiers: MedGen CN117976, MONDO:0100225.
Bethlem myopathy 1A. Also called: Bethlem myopathy 1; MYOPATHY, BENIGN CONGENITAL, WITH CONTRACTURES; Bethlem Muscular Dystrophy. Identifiers: Orphanet 610, MedGen CN029274, MONDO:0024530, OMIM 158810.

Allele frequency attached by ClinVar (database versions not stated): TOPMed 0.00023; gnomAD 0.00029 and 0.00031; gnomAD exomes 0.00029; ExAC 0.00030; ESP Exome Variant Server 0.00046.
gnomAD v4.1: 551 of 1,614,044 alleles (0.034%); highest among the groups gnomAD compares: Non-Finnish European, 0.041%; no homozygotes.

Submissions (6):

Labcorp Genetics (formerly Invitae), Labcorp
Classification: Likely benign for Bethlem myopathy 1A. Last evaluated: 2026-01-12. Review status: criteria provided, single submitter. Criteria: Invitae Variant Classification Sherloc (09022015). Collection method: clinical testing. Allele origin: germline.

CeGaT Center for Human Genetics Tuebingen
Classification: Likely benign. Last evaluated: 2024-09-01. Review status: criteria provided, single submitter. Criteria: CeGaT Center For Human Genetics Tuebingen Variant Classification Criteria Version 2. Collection method: clinical testing. Allele origin: germline. Affected: yes. Observed: 1 variant allele.
Comment: COL6A3: BP4, BP7

Blueprint Genetics
Classification: Likely benign. Last evaluated: 2023-05-26. Review status: criteria provided, single submitter. Criteria: ACMG Guidelines, 2015. Collection method: clinical testing. Allele origin: germline.

GeneDx
Classification: Likely benign. Last evaluated: 2020-09-14. Review status: criteria provided, single submitter. Criteria: GeneDx Variant Classification Process June 2021. Collection method: clinical testing. Allele origin: germline. Affected: yes.

Illumina Laboratory Services, Illumina
Classification: Benign for Collagen VI-related myopathy. Last evaluated: 2018-01-12. Review status: criteria provided, single submitter. Criteria: ICSL Variant Classification Criteria 13 December 2019. Collection method: clinical testing. Allele origin: germline.
Comment: This variant was observed in the ICSL laboratory as part of a predisposition screen in an ostensibly healthy population. It had not been previously curated by ICSL or reported in the Human Gene Mutation Database (HGMD: prior to June 1st, 2018), and was therefore a candidate for classification through an automated scoring system. Utilizing variant allele frequency, disease prevalence and penetrance estimates, and inheritance mode, an automated score was calculated to assess if this variant is too frequent to cause the disease. Based on the score and internal cut-off values, a variant classified as benign is not then subjected to further curation. The score for this variant resulted in a classification of benign for this disease.

Eurofins Ntd Llc (ga)
Classification: Uncertain significance. Last evaluated: 2015-08-18. Review status: criteria provided, single submitter. Criteria: EGL Classification Definitions 2015. Collection method: clinical testing. Allele origin: germline. Observed: 2 variant alleles, 2 heterozygotes.

NM_004369.4(COL6A3):c.6654G>A (p.Pro2218=)

Gene: COL6A3 (collagen type VI alpha 3 chain; minus strand). Cytogenetic location: 2q37.3.
Variant type: single nucleotide variant.
Coding change: c.6654G>A on transcript NM_004369.4 (MANE Select); coding-DNA position 6654, G replaced by A.
Protein change: p.Pro2218=; no amino-acid change (proline 2218 retained).
Molecular consequence: synonymous variant.
Genome position (GRCh38, 1-based): chr2:237,353,377, C>T on the plus strand (G>A on the coding strand, the complement: COL6A3 is on the minus strand). VCF-style: chr2-237353377-C-T. GRCh37 (hg19) VCF-style: chr2-238262020-C-T.
Other names: c.4833G>A, p.Pro1611= (NM_057166.5); c.6036G>A, p.Pro2012= (NM_057167.4).
Identifiers: ClinVar variation 282645 (VCV000282645.37), dbSNP rs147537071, ClinGen allele CA2188145.
Genomic context (GRCh38, chr2:237,353,377, plus strand): 5'-ACAGTCACACACGGAAGCACTCACCTGTGCACCTCTGGTCCCCTGCTCTCCCTCAAAGCC[C>T]GGCTGGCCAGGACCGCCCTTGTTGCCCTTTGAAATAAGAGAAGATGCAGGGAGGAGTCAG-3'
Protein context (NP_004360.2, residues 2208-2228): AKGNKGGPGQ[Pro2218=]GFEGEQGTRG